The following is an entry in ClinVar:

NM_004360.5(CDH1):c.1316C>A (p.Ala439Glu)

Gene: CDH1 (cadherin 1; plus strand). Cytogenetic location: 16q22.1.
Variant type: single nucleotide variant.
Coding change: c.1316C>A on transcript NM_004360.5 (MANE Select); coding-DNA position 1316, C replaced by A.
Protein change: p.Ala439Glu; replaces alanine 439 with glutamic acid.
Molecular consequence: missense variant. On other transcripts: 5 prime UTR variant (2), intron variant (1).
Genome position (GRCh38, 1-based): chr16:68,813,491, C>A. VCF-style: chr16-68813491-C-A. GRCh37 (hg19) VCF-style: chr16-68847394-C-A.
Other names: c.-300C>A (NM_001317185.2); c.-504C>A (NM_001317186.2); c.1137+1228C>A (NM_001317184.2); short protein forms A439E.
Identifiers: ClinVar variation 937739 (VCV000937739.12), dbSNP rs1597896180, ClinGen allele CA396461939.

ClinVar aggregate classification (germline): Uncertain significance. Review status: criteria provided, multiple submitters, no conflicts (2 of 4 stars). 3 submissions from 3 submitters: Uncertain significance (3). Last evaluated 2025-11-09.

Conditions:
Hereditary cancer-predisposing syndrome. Also called: Tumor predisposition; Hereditary neoplastic syndrome; Neoplastic Syndromes, Hereditary; Hereditary Cancer Syndrome. Identifiers: Orphanet 140162, MedGen C0027672, MeSH D009386, MONDO:0015356.
Hereditary diffuse gastric adenocarcinoma (HDGC). Also called: DIFFUSE GASTRIC AND LOBULAR BREAST CANCER SYNDROME. Identifiers: Orphanet 26106, MedGen C1708349, MONDO:0007648, OMIM 137215.

Submissions (3):

Ambry Genetics
Classification: Uncertain significance for Hereditary cancer-predisposing syndrome. Last evaluated: 2025-11-09. Review status: criteria provided, single submitter. Criteria: Ambry Variant Classification Scheme 2023. Collection method: clinical testing. Allele origin: germline.
Comment: The p.A439E variant (also known as c.1316C>A), located in coding exon 9 of the CDH1 gene, results from a C to A substitution at nucleotide position 1316. The alanine at codon 439 is replaced by glutamic acid, an amino acid with dissimilar properties. This amino acid position is conserved. In addition, this alteration is predicted to be tolerated by in silico analysis. Based on the available evidence, the clinical significance of this variant remains unclear.

Women's Health and Genetics/Laboratory Corporation of America, LabCorp
Classification: Uncertain significance. Last evaluated: 2024-04-15. Review status: criteria provided, single submitter. Criteria: LabCorp Variant Classification Summary - May 2015. Collection method: clinical testing. Allele origin: germline.

Labcorp Genetics (formerly Invitae), Labcorp
Classification: Uncertain significance for Hereditary diffuse gastric adenocarcinoma. Last evaluated: 2023-03-07. Review status: criteria provided, single submitter. Criteria: Invitae Variant Classification Sherloc (09022015). Collection method: clinical testing. Allele origin: germline.
Comment: In summary, the available evidence is currently insufficient to determine the role of this variant in disease. Therefore, it has been classified as a Variant of Uncertain Significance. An algorithm developed to predict the effect of missense changes on protein structure and function (PolyPhen-2) suggests that this variant is likely to be disruptive. ClinVar contains an entry for this variant (Variation ID: 937739). This variant has not been reported in the literature in individuals affected with CDH1-related conditions. This variant is not present in population databases (gnomAD no frequency). This sequence change replaces alanine, which is neutral and non-polar, with glutamic acid, which is acidic and polar, at codon 439 of the CDH1 protein (p.Ala439Glu).